The following is an entry in ClinVar:

ClinVar aggregate classification (germline): Uncertain significance (1 of 4 stars; one submission).

Submission:

Women's Health and Genetics/Laboratory Corporation of America, LabCorp
Classification: Uncertain significance. Last evaluated: 2025-06-23. Review status: criteria provided, single submitter. Criteria: LabCorp Variant Classification Summary - May 2015. Collection method: clinical testing. Allele origin: germline.
Comment: Variant summary: LIG4 c.1347A>T (p.Lys449Asn) results in a non-conservative amino acid change in the encoded protein sequence. Algorithms developed to predict the effect of missense changes on protein structure and function all suggest that this variant is likely to be disruptive. The variant was absent in 251374 control chromosomes. c.1347A>T has been observed in compound heterozygous or homozygous individuals affected with Severe Combined Immunodeficiency (Yue_2019, Zhang_2025). These data indicate that the variant may be associated with disease. To our knowledge, no experimental evidence demonstrating an impact on protein function has been reported. The following publications have been ascertained in the context of this evaluation (PMID: 30818900, 39789600). No submitters have cited clinical-significance assessments for this variant to ClinVar. Based on the evidence outlined above, the variant was classified as VUS-possibly pathogenic.

Literature cited by the submitters: PubMed 30818900; PubMed 39789600.

NM_206937.2(LIG4):c.1347A>T (p.Lys449Asn)

Gene: LIG4 (DNA ligase 4; minus strand). Cytogenetic location: 13q33.3.
Variant type: single nucleotide variant.
Coding change: c.1347A>T on transcript NM_206937.2 (MANE Select); coding-DNA position 1347, A replaced by T.
Protein change: p.Lys449Asn; replaces lysine 449 with asparagine.
Molecular consequence: missense variant.
Genome position (GRCh38, 1-based): chr13:108,209,922, T>A on the plus strand (A>T on the coding strand, the complement: LIG4 is on the minus strand). VCF-style: chr13-108209922-T-A. GRCh37 (hg19) VCF-style: chr13-108862270-T-A.
Other names: c.1347A>T, p.Lys449Asn (NM_001098268.2, NM_001352598.2, NM_001352599.2 and 6 more transcripts); c.1146A>T, p.Lys382Asn (NM_001330595.2); c.1383A>T, p.Lys461Asn (NM_001352604.2); short protein forms K382N, K449N, K461N.
Identifiers: ClinVar variation 3907569 (VCV003907569.1).